The following is an entry in ClinVar:

NM_006060.6(IKZF1):c.1043A>G (p.Tyr348Cys)

Gene: IKZF1 (IKAROS family zinc finger 1; plus strand). Cytogenetic location: 7p12.2.
Variant type: single nucleotide variant.
Coding change: c.1043A>G on transcript NM_006060.6 (MANE Select); coding-DNA position 1043, A replaced by G.
Protein change: p.Tyr348Cys; replaces tyrosine 348 with cysteine.
Molecular consequence: missense variant.
Genome position (GRCh38, 1-based): chr7:50,400,110, A>G. VCF-style: chr7-50400110-A-G. GRCh37 (hg19) VCF-style: chr7-50467808-A-G.
Other names: c.1043A>G (NM_006060.5); c.917A>G, p.Tyr306Cys (NM_001220765.3, NM_001291837.2); c.752A>G, p.Tyr251Cys (NM_001220767.2); c.782A>G, p.Tyr261Cys (NM_001220768.2, NM_001291838.2); c.626A>G, p.Tyr209Cys (NM_001220770.2); c.614A>G, p.Tyr205Cys (NM_001220771.2, NM_001291841.1); c.656A>G, p.Tyr219Cys (NM_001291839.2); c.353A>G, p.Tyr118Cys (NM_001291840.1); and 4 more; short protein forms Y163C, Y209C, Y348C, Y118C, Y153C, Y306C, Y219C, Y261C.
Identifiers: ClinVar variation 2152034 (VCV002152034.6), dbSNP rs761525426, ClinGen allele CA158198160.

ClinVar aggregate classification (germline): Uncertain significance. Review status: criteria provided, multiple submitters, no conflicts (2 of 4 stars). 3 submissions from 3 submitters: Uncertain significance (3). Last evaluated 2025-09-25.

Allele frequency attached by ClinVar (database versions not stated): TOPMed 0.00001; gnomAD exomes 0.00002.
gnomAD v4.1: 28 of 1,558,580 alleles (0.0018%); highest among the groups gnomAD compares: Non-Finnish European, 0.0024%; no homozygotes.

Submissions (3):

Labcorp Genetics (formerly Invitae), Labcorp
Classification: Uncertain significance. Last evaluated: 2025-09-25. Review status: criteria provided, single submitter. Criteria: Invitae Variant Classification Sherloc (09022015). Collection method: clinical testing. Allele origin: germline.
Comment: This sequence change replaces tyrosine, which is neutral and polar, with cysteine, which is neutral and slightly polar, at codon 348 of the IKZF1 protein (p.Tyr348Cys). This variant is present in population databases (no rsID available, gnomAD 0.002%). This missense change has been observed in individual(s) with acute lymphoblastic leukemia (PMID: 29681510). ClinVar contains an entry for this variant (Variation ID: 2152034). Algorithms developed to predict the effect of variants on gene product structure and function are not available or were not evaluated for this variant. Experimental studies have shown that this missense change affects IKZF1 function (PMID: 29681510). In summary, the available evidence is currently insufficient to determine the role of this variant in disease. Therefore, it has been classified as a Variant of Uncertain Significance.

GeneDx
Classification: Uncertain significance. Last evaluated: 2024-12-03. Review status: criteria provided, single submitter. Criteria: GeneDx Variant Classification Process June 2021. Collection method: clinical testing. Allele origin: germline. Affected: yes.
Comment: Not observed at significant frequency in large population cohorts (gnomAD); In silico analysis supports that this missense variant has a deleterious effect on protein structure/function; Observed in children with acute lymphoblastic leukemia in published literature (PMID: 29681510); Published functional studies demonstrate increased aggregation and slight to moderate up-regulation of adhesion molecules (PMID: 29681510); This variant is associated with the following publications: (PMID: 29681510)

Blueprint Genetics
Classification: Uncertain significance. Last evaluated: 2024-09-16. Review status: criteria provided, single submitter. Criteria: ACMG Guidelines, 2015. Collection method: clinical testing. Allele origin: germline.

Literature cited by the submitters: PubMed 29681510 (cited by Labcorp Genetics (formerly Invitae), Labcorp).